The following is an entry in ClinVar:

ClinVar aggregate classification (germline): Benign (0 of 4 stars; one submission).

Conditions:
SDK2-related disorder. Also called: SDK2-related condition.

Allele frequency attached by ClinVar (database versions not stated): gnomAD exomes 0.00345; ESP Exome Variant Server 0.00593; gnomAD 0.00923; TOPMed 0.00979; ExAC 0.01766; 1000 Genomes Project 30x 0.02389; 1000 Genomes Project 0.02576.
gnomAD v4.1: 6,479 of 1,582,294 alleles (0.41%); highest among the groups gnomAD compares: East Asian, 7.9%; 181 homozygotes.

Submission:

PreventionGenetics, part of Exact Sciences
Classification: Benign for SDK2-related condition. Last evaluated: 2019-04-01. Review status: no assertion criteria provided. Collection method: clinical testing. Allele origin: germline.
Comment: This variant is classified as benign based on ACMG/AMP sequence variant interpretation guidelines (Richards et al. 2015 PMID: 25741868, with internal and published modifications).

NM_001144952.2(SDK2):c.4289C>G (p.Ser1430Cys)

Gene: SDK2 (sidekick cell adhesion molecule 2; minus strand). Cytogenetic location: 17q25.1.
Variant type: single nucleotide variant.
Coding change: c.4289C>G on transcript NM_001144952.2 (MANE Select); coding-DNA position 4289, C replaced by G.
Protein change: p.Ser1430Cys; replaces serine 1430 with cysteine.
Molecular consequence: missense variant.
Genome position (GRCh38, 1-based): chr17:73,387,941, G>C on the plus strand (C>G on the coding strand, the complement: SDK2 is on the minus strand). VCF-style: chr17-73387941-G-C. GRCh37 (hg19) VCF-style: chr17-71384080-G-C.
Other names: short protein forms S1430C.
Identifiers: ClinVar variation 3055533 (VCV003055533.2), dbSNP rs2270724, ClinGen allele CA8742829.